The following is an entry in ClinVar:

ClinVar aggregate classification (germline): Uncertain significance (1 of 4 stars; one submission).

Conditions:
Autosomal recessive spastic paraplegia type 78. Identifiers: Orphanet 513436, MedGen C5567893, MONDO:0014975, OMIM 617225.
Kufor-Rakeb syndrome (KRS). Also called: PARKINSON DISEASE 9, AUTOSOMAL RECESSIVE, JUVENILE-ONSET. Identifiers: Orphanet 306674, Orphanet 314632, MedGen C1847640, MONDO:0011706, OMIM 606693.

Allele frequency attached by ClinVar (database versions not stated): gnomAD exomes 0.00001.
gnomAD v4.1: 3 of 1,613,468 alleles (0.00019%); highest among the groups gnomAD compares: Admixed American, 0.0033%; no homozygotes.

Submission:

Labcorp Genetics (formerly Invitae), Labcorp
Classification: Uncertain significance for Kufor-Rakeb syndrome; Autosomal recessive spastic paraplegia type 78. Last evaluated: 2022-06-22. Review status: criteria provided, single submitter. Criteria: Invitae Variant Classification Sherloc (09022015). Collection method: clinical testing. Allele origin: germline.
Comment: This sequence change falls in intron 26 of the ATP13A2 gene. It does not directly change the encoded amino acid sequence of the ATP13A2 protein. It affects a nucleotide within the consensus splice site. This variant is present in population databases (no rsID available, gnomAD 0.006%). This variant has not been reported in the literature in individuals affected with ATP13A2-related conditions. Variants that disrupt the consensus splice site are a relatively common cause of aberrant splicing (PMID: 17576681, 9536098). Algorithms developed to predict the effect of sequence changes on RNA splicing suggest that this variant is not likely to affect RNA splicing. In summary, the available evidence is currently insufficient to determine the role of this variant in disease. Therefore, it has been classified as a Variant of Uncertain Significance.

Literature cited by the submitters: PubMed 17576681; PubMed 9536098.

NM_022089.4(ATP13A2):c.3083+5G>A

Gene: ATP13A2 (ATPase cation transporting 13A2; minus strand). Cytogenetic location: 1p36.13.
Variant type: single nucleotide variant.
Coding change: c.3083+5G>A on transcript NM_022089.4 (MANE Select); 5 bases into the intron after coding-DNA position 3083, G replaced by A.
Molecular consequence: intron variant.
Genome position (GRCh38, 1-based): chr1:16,987,041, C>T on the plus strand (G>A on the coding strand, the complement: ATP13A2 is on the minus strand). VCF-style: chr1-16987041-C-T. GRCh37 (hg19) VCF-style: chr1-17313536-C-T.
Other names: c.2951+5G>A (NM_001141974.3); c.3068+5G>A (NM_001141973.3).
Identifiers: ClinVar variation 2049691 (VCV002049691.1), dbSNP rs1294862302, ClinGen allele CA521449643.